The following is an entry in ClinVar:

ClinVar aggregate classification (germline): Conflicting classifications of pathogenicity. Review status: criteria provided, conflicting classifications (1 of 4 stars). 2 submissions from 2 submitters: Uncertain significance (1); Likely benign (1). Last evaluated 2026-01-01.

Conditions:
Hereditary spastic paraplegia 6 (SPG6). Also called: SPASTIC PARAPLEGIA 6, AUTOSOMAL DOMINANT. Identifiers: Orphanet 100988, MedGen C1838192, MONDO:0010878, OMIM 600363.

Submissions (2):

CeGaT Center for Human Genetics Tuebingen
Classification: Likely benign. Last evaluated: 2026-01-01. Review status: criteria provided, single submitter. Criteria: CeGaT Center For Human Genetics Tuebingen Variant Classification Criteria Version 2. Collection method: clinical testing. Allele origin: germline. Affected: yes. Observed: 2 variant alleles.
Comment: NIPA1: BP3

Labcorp Genetics (formerly Invitae), Labcorp
Classification: Uncertain significance for Hereditary spastic paraplegia 6. Last evaluated: 2021-04-09. Review status: criteria provided, single submitter. Criteria: Invitae Variant Classification Sherloc (09022015). Collection method: clinical testing. Allele origin: germline.
Comment: In summary, the available evidence is currently insufficient to determine the role of this variant in disease. Therefore, it has been classified as a Variant of Uncertain Significance. Experimental studies and prediction algorithms are not available or were not evaluated, and the functional significance of this variant is currently unknown. This variant has not been reported in the literature in individuals with NIPA1-related conditions. The frequency data for this variant in the population databases is considered unreliable, as metrics indicate insufficient coverage at this position in the ExAC database. This variant, c.36_47del, results in the deletion of 4 amino acid(s) of the NIPA1 protein (p.Ala13_Ala16del), but otherwise preserves the integrity of the reading frame.

NM_144599.5(NIPA1):c.24GGC[4] (p.Ala13_Ala16del)

Genes: NIPA1 (NIPA magnesium transporter 1; plus strand), LOC130056709 (ATAC-STARR-seq lymphoblastoid silent region 6259; plus strand). Cytogenetic location: 15q11.2.
Variant type: Microsatellite.
Coding change: c.24GGC[4] on transcript NM_144599.5 (MANE Select); four copies in a row of the 3-base unit GGC starting at c.24; the reference has eight copies in a row; four copies, 12 bases deleted.
Protein change: p.Ala13_Ala16del.
Molecular consequence: inframe deletion. On other transcripts: intron variant (1).
Genome position (GRCh38, 1-based): chr15:22,786,692-22,786,703, GGCGGCGGCGGC deleted; deleting any 12 consecutive bases within chr15:22,786,678-22,786,703 gives the same sequence; the position shown is the placement nearest the transcript's 3' end. VCF-style (leftmost placement, unchanged base first): chr15-22786677-AGCGGCGGCGGCG-A. GRCh37 (hg19) VCF-style: chr15-23086364-GGCCGCCGCCGCC-G.
Other names: c.-48+430GCG[4] (NM_001142275.1).
Identifiers: ClinVar variation 872110 (VCV000872110.48), dbSNP rs531550505, ClinGen allele CA488751766.